The following is an entry in ClinVar:

NM_001278716.2(FBXL4):c.405G>C (p.Val135=)

Gene: FBXL4 (F-box and leucine rich repeat protein 4; minus strand). Cytogenetic location: 6q16.2.
Variant type: single nucleotide variant.
Coding change: c.405G>C on transcript NM_001278716.2 (MANE Select); coding-DNA position 405, G replaced by C.
Protein change: p.Val135=; no amino-acid change (valine 135 retained).
Molecular consequence: synonymous variant. On other transcripts: non-coding transcript variant (2).
Genome position (GRCh38, 1-based): chr6:98,926,584, C>G on the plus strand (G>C on the coding strand, the complement: FBXL4 is on the minus strand). VCF-style: chr6-98926584-C-G. GRCh37 (hg19) VCF-style: chr6-99374460-C-G.
Other names: c.405G>C, p.Val135= (NM_012160.5).
Identifiers: ClinVar variation 437572 (VCV000437572.1), dbSNP rs778315780, ClinGen allele CA3933695.

ClinVar aggregate classification (germline): Uncertain significance (1 of 4 stars; one submission).

Conditions:
Mitochondrial DNA depletion syndrome 13. Also called: FBXL4-Related Encephalomyopathic Mitochondrial DNA Depletion Syndrome; Mitochondrial DNA depletion syndrome 13 (encephalomyopathic type). Identifiers: Orphanet 369897, MedGen C3809592, MONDO:0014198, OMIM 615471.

Allele frequency attached by ClinVar (database versions not stated): TOPMed 0.00003; gnomAD 0.00001; gnomAD exomes 0.00001; ExAC 0.00002.
gnomAD v4.1: 4 of 1,614,044 alleles (0.00025%); highest among the groups gnomAD compares: East Asian, 0.0089%; no homozygotes.

Submission:

Wong Mito Lab, Molecular and Human Genetics, Baylor College of Medicine
Classification: Uncertain significance for Mitochondrial DNA depletion syndrome 13. Last evaluated: 2017-08-10. Review status: criteria provided, single submitter. Criteria: ACMG Guidelines, 2015. Collection method: reference population. Allele origin: germline.
Comment: The NM_012160.4:c.405G>C (NP_036292.2:p.Val135=) [GRCH38: NC_000006.12:g.98926584C>G] variant in FBXL4 gene is interpretated to be a Uncertain Significance - Conflicting Evidence based on ACMG guidelines (PMID: 25741868). This variant meets one or more of the following evidence codes reported in the ACMG-guideline. PM2:This variant is absent in key population databases. BP4:Computational evidence/predictors indicate no impact on the FBXL4 structure, function, or protein-protein interaction. BP7:The variant is silent with non predicted splice impact. Based on this evidence code ClinGen Pathogenicity Calculator (PMID:28081714) suggested that the variant is Uncertain Significance - Conflicting Evidence.